The following is an entry in ClinVar:

ClinVar aggregate classification (germline): Likely pathogenic (1 of 4 stars; one submission).

Conditions:
CHD7-related CHARGE syndrome. Identifiers: MedGen CN380413, MONDO:1010178, OMIM 214800.

Submission:

3billion
Classification: Likely pathogenic for CHD7-related CHARGE syndrome. Last evaluated: 2025-10-07. Review status: criteria provided, single submitter. Criteria: ACMG Guidelines, 2015. Collection method: clinical testing. Allele origin: germline. Affected: yes.
Comment: The variant is not observed in the gnomAD v4.1.0 dataset. Predicted Consequence/Location: Frameshift: predicted to result in a loss or disruption of normal protein function through nonsense-mediated decay (NMD) or protein truncation. Multiple pathogenic variants are reported downstream of the variant. Therefore, this variant is classified as Likely pathogenic according to the recommendation of ACMG/AMP guideline.

NM_017780.4(CHD7):c.2627_2636del (p.Leu876fs)

Gene: CHD7 (chromodomain helicase DNA binding protein 7; plus strand). Cytogenetic location: 8q12.2.
Variant type: Deletion.
Coding change: c.2627_2636del on transcript NM_017780.4 (MANE Select); coding-DNA positions 2627 to 2636, 10 bases deleted (TTTTTAATCC; older notation c.2627_2636delTTTTTAATCC).
Protein change: p.Leu876fs; shifts the reading frame from leucine 876.
Molecular consequence: frameshift variant. On other transcripts: intron variant (1).
Genome position (GRCh38, 1-based): chr8:60,820,020-60,820,029, TTTTTAATCC deleted; deleting any 10 consecutive bases within chr8:60,820,019-60,820,029 gives the same sequence; the c. name uses the placement nearest the transcript's 3' end. VCF-style (leftmost placement, unchanged base first): chr8-60820018-GCTTTTTAATC-G. GRCh37 (hg19) VCF-style: chr8-61732577-GCTTTTTAATC-G.
Other names: c.1716+38970_1716+38979del (NM_001316690.1); short protein forms L876fs.
Identifiers: ClinVar variation 4855310 (VCV004855310.1).